The following is an entry in ClinVar:

ClinVar aggregate classification (germline): Uncertain significance. Review status: criteria provided, multiple submitters, no conflicts (2 of 4 stars). 2 submissions from 2 submitters: Uncertain significance (2). Last evaluated 2025-04-11.

Conditions:
Tuberous sclerosis 2 (TSC2). Identifiers: Orphanet 805, MedGen C1860707, MONDO:0013199, OMIM 613254.

gnomAD v4.1: 1 of 1,613,180 alleles (0.000062%); highest among the groups gnomAD compares: Non-Finnish European, 0.000085%; no homozygotes.

Submissions (2):

Labcorp Genetics (formerly Invitae), Labcorp
Classification: Uncertain significance for Tuberous sclerosis 2. Last evaluated: 2025-04-11. Review status: criteria provided, single submitter. Criteria: Invitae Variant Classification Sherloc (09022015). Collection method: clinical testing. Allele origin: germline.
Comment: This sequence change replaces proline, which is neutral and non-polar, with arginine, which is basic and polar, at codon 953 of the TSC2 protein (p.Pro953Arg). This variant is not present in population databases (gnomAD no frequency). This variant has not been reported in the literature in individuals affected with TSC2-related conditions. ClinVar contains an entry for this variant (Variation ID: 650376). Invitae Evidence Modeling of protein sequence and biophysical properties (such as structural, functional, and spatial information, amino acid conservation, physicochemical variation, residue mobility, and thermodynamic stability) indicates that this missense variant is not expected to disrupt TSC2 protein function with a negative predictive value of 95%. In summary, the available evidence is currently insufficient to determine the role of this variant in disease. Therefore, it has been classified as a Variant of Uncertain Significance.

Blueprint Genetics
Classification: Uncertain significance. Last evaluated: 2020-10-12. Review status: criteria provided, single submitter. Criteria: ACMG Guidelines, 2015. Collection method: clinical testing. Allele origin: germline.

NM_000548.5(TSC2):c.2858C>G (p.Pro953Arg)

Gene: TSC2 (TSC complex subunit 2; plus strand). Cytogenetic location: 16p13.3.
Variant type: single nucleotide variant.
Coding change: c.2858C>G on transcript NM_000548.5 (MANE Select); coding-DNA position 2858, C replaced by G.
Protein change: p.Pro953Arg; replaces proline 953 with arginine.
Molecular consequence: missense variant. On other transcripts: intron variant (9).
Genome position (GRCh38, 1-based): chr16:2,077,618, C>G. VCF-style: chr16-2077618-C-G. GRCh37 (hg19) VCF-style: chr16-2127619-C-G.
Other names: c.2858C>G, p.Pro953Arg (NM_001114382.3); c.2837+1033C>G (NM_021055.3, NM_001370405.1, NM_001363528.2 and 2 more transcripts); c.2726+1033C>G (NM_001318827.2); c.2237+1033C>G (NM_001318831.2); c.2690+1033C>G (NM_001318829.2); c.2870+1033C>G (NM_001318832.2); short protein forms P953R.
Identifiers: ClinVar variation 650376 (VCV000650376.11), dbSNP rs1303011979, ClinGen allele CA394280845.